The following is an entry in ClinVar:

NM_199242.3(UNC13D):c.755A>T (p.Asp252Val)

Gene: UNC13D (unc-13 homolog D; minus strand). Cytogenetic location: 17q25.1.
Variant type: single nucleotide variant.
Coding change: c.755A>T on transcript NM_199242.3 (MANE Select); coding-DNA position 755, A replaced by T.
Protein change: p.Asp252Val; replaces aspartic acid 252 with valine.
Molecular consequence: missense variant.
Genome position (GRCh38, 1-based): chr17:75,840,328, T>A on the plus strand (A>T on the coding strand, the complement: UNC13D is on the minus strand). VCF-style: chr17-75840328-T-A. GRCh37 (hg19) VCF-style: chr17-73836409-T-A.
Other names: short protein forms D252V.
Identifiers: ClinVar variation 429220 (VCV000429220.10), dbSNP rs1131691264, ClinGen allele CA401109750.
Genomic context (GRCh38, chr17:75,840,328, plus strand): 5'-TCTGGGTAGGTCTCAGTGCGGGGTTCCAGGGGGTACCACTGGTCCTCTCGGCAGCGCAGG[T>A]CCTGACAGGCGGGGATGCCCAGCCCGTGAGCGTCAGAACCTCATAGAGTCGGGGCAGCGG-3'
Protein context (NP_954712.1, residues 242-262): FLGNVVLRLQ[Asp252Val]LRCREDQWYP

ClinVar aggregate classification (germline): Uncertain significance. Review status: criteria provided, multiple submitters, no conflicts (2 of 4 stars). 3 submissions from 3 submitters: Uncertain significance (3). Last evaluated 2025-05-17.

Conditions:
Inborn genetic diseases. Identifiers: MedGen C0950123, MeSH D030342.
Familial hemophagocytic lymphohistiocytosis 3 (FHL3). Also called: UNC13D-Related Familial Hemophagocytic Lymphohistiocytosis (UNC13D-fHLH). Identifiers: Orphanet 540, MedGen C1837174, MONDO:0012146, OMIM 608898.

Allele frequency attached by ClinVar (database versions not stated): TOPMed below 0.00001; gnomAD exomes 0.00001 and 0.00002.

Submissions (3):

Ambry Genetics
Classification: Uncertain significance for Inborn genetic diseases. Last evaluated: 2025-05-17. Review status: criteria provided, single submitter. Criteria: Ambry Variant Classification Scheme 2023. Collection method: clinical testing. Allele origin: germline.

Labcorp Genetics (formerly Invitae), Labcorp
Classification: Uncertain significance for Familial hemophagocytic lymphohistiocytosis 3. Last evaluated: 2019-10-16. Review status: criteria provided, single submitter. Criteria: Invitae Variant Classification Sherloc (09022015). Collection method: clinical testing. Allele origin: germline.
Comment: This sequence change replaces aspartic acid with valine at codon 252 of the UNC13D protein (p.Asp252Val). The aspartic acid residue is moderately conserved and there is a large physicochemical difference between aspartic acid and valine. In summary, the available evidence is currently insufficient to determine the role of this variant in disease. Therefore, it has been classified as a Variant of Uncertain Significance. Algorithms developed to predict the effect of sequence changes on RNA splicing suggest that this variant may create or strengthen a splice site, but this prediction has not been confirmed by published transcriptional studies. Algorithms developed to predict the effect of missense changes on protein structure and function are either unavailable or do not agree on the potential impact of this missense change (SIFT: "Deleterious"; PolyPhen-2: "Probably Damaging"; Align-GVGD: "Class C0"). This variant has not been reported in the literature in individuals with UNC13D-related conditions. ClinVar contains an entry for this variant (Variation ID: 429220). This variant is not present in population databases (ExAC no frequency).

GeneDx
Classification: Uncertain significance. Last evaluated: 2019-08-18. Review status: criteria provided, single submitter. Criteria: GeneDx Variant Classification Process June 2021. Collection method: clinical testing. Allele origin: germline. Affected: yes.
Comment: In silico analysis, which includes protein predictors and evolutionary conservation, supports a deleterious effect; Has not been previously published as pathogenic or benign to our knowledge